The following is an entry in ClinVar:

NM_001083961.2(WDR62):c.2873A>T (p.Tyr958Phe)

Gene: WDR62 (WD repeat domain 62; plus strand). Cytogenetic location: 19q13.12.
Variant type: single nucleotide variant.
Coding change: c.2873A>T on transcript NM_001083961.2 (MANE Select); coding-DNA position 2873, A replaced by T.
Protein change: p.Tyr958Phe; replaces tyrosine 958 with phenylalanine.
Molecular consequence: missense variant.
Genome position (GRCh38, 1-based): chr19:36,101,219, A>T. VCF-style: chr19-36101219-A-T. GRCh37 (hg19) VCF-style: chr19-36592121-A-T.
Other names: c.2873A>T, p.Tyr958Phe (NM_173636.5); short protein forms Y958F.
Identifiers: ClinVar variation 1328713 (VCV001328713.7), dbSNP rs376554781, ClinGen allele CA9396089.
Genomic context (GRCh38, chr19:36,101,219, plus strand): 5'-TGTTGAGTCTCCAGCTGAAGTCCTTGTTCCCTCTCTGCCCCCACTGGCACTGCAGCCAGT[A>T]TTGCAGGAAGGAGGTGGAGGCCGGGCCTGGAGACCAGCAGGGCGACTCCTACCTCAGGGT-3'
Protein context (NP_001077430.1, residues 948-968): EVTVTGTDSQ[Tyr958Phe]CRKEVEAGPG

ClinVar aggregate classification (germline): Uncertain significance. Review status: criteria provided, multiple submitters, no conflicts (2 of 4 stars). 3 submissions from 3 submitters: Uncertain significance (3). Last evaluated 2025-03-26.

Conditions:
Inborn genetic diseases. Identifiers: MedGen C0950123, MeSH D030342.

Allele frequency attached by ClinVar (database versions not stated): ExAC 0.00011; TOPMed 0.00029; ESP Exome Variant Server 0.00015; gnomAD 0.00027 and 0.00031.
gnomAD v4.1: 63 of 1,612,164 alleles (0.0039%); highest among the groups gnomAD compares: African/African-American, 0.08%; no homozygotes.

Submissions (3):

Ambry Genetics
Classification: Uncertain significance for Inborn genetic diseases. Last evaluated: 2025-03-26. Review status: criteria provided, single submitter. Criteria: Ambry Variant Classification Scheme 2023. Collection method: clinical testing. Allele origin: germline.

Labcorp Genetics (formerly Invitae), Labcorp
Classification: Uncertain significance. Last evaluated: 2022-06-24. Review status: criteria provided, single submitter. Criteria: Invitae Variant Classification Sherloc (09022015). Collection method: clinical testing. Allele origin: germline.
Comment: In summary, the available evidence is currently insufficient to determine the role of this variant in disease. Therefore, it has been classified as a Variant of Uncertain Significance. Algorithms developed to predict the effect of missense changes on protein structure and function (SIFT, PolyPhen-2, Align-GVGD) all suggest that this variant is likely to be tolerated. ClinVar contains an entry for this variant (Variation ID: 1328713). This variant has not been reported in the literature in individuals affected with WDR62-related conditions. This variant is present in population databases (rs376554781, gnomAD 0.06%). This sequence change replaces tyrosine, which is neutral and polar, with phenylalanine, which is neutral and non-polar, at codon 958 of the WDR62 protein (p.Tyr958Phe).

GeneDx
Classification: Uncertain significance. Last evaluated: 2021-11-29. Review status: criteria provided, single submitter. Criteria: GeneDx Variant Classification Process June 2021. Collection method: clinical testing. Allele origin: germline. Affected: yes.
Comment: In silico analysis supports that this missense variant does not alter protein structure/function; Has not been previously published as pathogenic or benign to our knowledge